The following is an entry in ClinVar:

NM_000171.4(GLRA1):c.1210A>T (p.Met404Leu)

Gene: GLRA1 (glycine receptor alpha 1; minus strand). Cytogenetic location: 5q33.1.
Variant type: single nucleotide variant.
Coding change: c.1210A>T on transcript NM_000171.4 (MANE Select); coding-DNA position 1210, A replaced by T.
Protein change: p.Met404Leu; replaces methionine 404 with leucine.
Molecular consequence: missense variant.
Genome position (GRCh38, 1-based): chr5:151,822,813, T>A on the plus strand (A>T on the coding strand, the complement: GLRA1 is on the minus strand). VCF-style: chr5-151822813-T-A. GRCh37 (hg19) VCF-style: chr5-151202374-T-A.
Other names: c.1234A>T, p.Met412Leu (NM_001146040.2); c.961A>T, p.Met321Leu (NM_001292000.2); short protein forms M321L, M404L, M412L.
Identifiers: ClinVar variation 1021131 (VCV001021131.8), dbSNP rs151276682, ClinGen allele CA130006246.

ClinVar aggregate classification (germline): Uncertain significance (1 of 4 stars; one submission).

Conditions:
Hereditary hyperekplexia. Identifiers: Orphanet 3197, MedGen C4084968, MONDO:0021022.

Allele frequency attached by ClinVar (database versions not stated): gnomAD 0.00003; TOPMed 0.00005; ESP Exome Variant Server 0.00008.
gnomAD v4.1: 6 of 1,613,986 alleles (0.00037%); highest among the groups gnomAD compares: African/African-American, 0.008%; no homozygotes.

Submission:

Labcorp Genetics (formerly Invitae), Labcorp
Classification: Uncertain significance for Hereditary hyperekplexia. Last evaluated: 2024-11-07. Review status: criteria provided, single submitter. Criteria: Invitae Variant Classification Sherloc (09022015). Collection method: clinical testing. Allele origin: germline.
Comment: This sequence change replaces methionine, which is neutral and non-polar, with leucine, which is neutral and non-polar, at codon 404 of the GLRA1 protein (p.Met404Leu). This variant is not present in population databases (gnomAD no frequency). This variant has not been reported in the literature in individuals affected with GLRA1-related conditions. ClinVar contains an entry for this variant (Variation ID: 1021131). Invitae Evidence Modeling of protein sequence and biophysical properties (such as structural, functional, and spatial information, amino acid conservation, physicochemical variation, residue mobility, and thermodynamic stability) indicates that this missense variant is not expected to disrupt GLRA1 protein function with a negative predictive value of 80%. In summary, the available evidence is currently insufficient to determine the role of this variant in disease. Therefore, it has been classified as a Variant of Uncertain Significance.